The following is an entry in ClinVar:

ClinVar aggregate classification (germline): Likely pathogenic (1 of 4 stars; one submission).

Conditions:
Glycogen storage disease, type II (IOPD). Also called: Pompe Disease; CARDIOMEGALIA GLYCOGENICA DIFFUSA; GLYCOGENOSIS, GENERALIZED, CARDIAC FORM; GSD II; POMPE DISEASE, INFANTILE-ONSET; GLYCOGEN STORAGE DISEASE II, INFANTILE-ONSET. Identifiers: Orphanet 365, MedGen C0017921, MONDO:0009290, OMIM 232300.

Submission:

Genomenon, Inc
Classification: Likely pathogenic for Glycogen storage disease, type II. Last evaluated: 2026-07-01. Review status: criteria provided, single submitter. Criteria: Genomenon Sequence Variant Interpretation Standards - Updated. Collection method: curation. Allele origin: germline. Affected: yes.
Comment: GAA p.Pro511His (c.1532C>A) is a missense variant that changes the amino acid at codon 511 from Proline to Histidine. This variant has been observed in at least one proband with a GAA-related disorder in the compound heterozygous and/or homozygous state (PMID:27711114). It is absent or not present at a significant frequency in gnomAD. In silico models predict that this variant is possibly or probably damaging. In conclusion, we classify GAA p.Pro511His (c.1532C>A) as a likely pathogenic variant.

Literature cited by the submitters: PubMed 27711114.

NM_000152.5(GAA):c.1532C>A (p.Pro511His)

Gene: GAA (alpha glucosidase; plus strand). Cytogenetic location: 17q25.3.
Variant type: single nucleotide variant.
Coding change: c.1532C>A on transcript NM_000152.5 (MANE Select); coding-DNA position 1532, C replaced by A.
Protein change: p.Pro511His; replaces proline 511 with histidine.
Molecular consequence: missense variant.
Genome position (GRCh38, 1-based): chr17:80,110,821, C>A. VCF-style: chr17-80110821-C-A. GRCh37 (hg19) VCF-style: chr17-78084620-C-A.
Other names: c.1532C>A, p.Pro511His (NM_001079803.3, NM_001079804.3, NM_001406741.1 and 1 more transcripts); short protein forms P511H.
Identifiers: ClinVar variation 4876632 (VCV004876632.1).